The following is an entry in ClinVar:

NM_024642.5(GALNT12):c.20G>C (p.Arg7Pro)

Gene: GALNT12 (polypeptide N-acetylgalactosaminyltransferase 12; plus strand). Cytogenetic location: 9q22.33.
Variant type: single nucleotide variant.
Coding change: c.20G>C on transcript NM_024642.5 (MANE Select); coding-DNA position 20, G replaced by C.
Protein change: p.Arg7Pro; replaces arginine 7 with proline.
Molecular consequence: missense variant.
Genome position (GRCh38, 1-based): chr9:98,807,718, G>C. VCF-style: chr9-98807718-G-C. GRCh37 (hg19) VCF-style: chr9-101570000-G-C.
Other names: short protein forms R7P.
Identifiers: ClinVar variation 1785887 (VCV001785887.2), dbSNP rs568625965, ClinGen allele CA374222030.

ClinVar aggregate classification (germline): Uncertain significance (1 of 4 stars; one submission).

Submission:

Ambry Genetics
Classification: Uncertain significance. Last evaluated: 2021-10-25. Review status: criteria provided, single submitter. Criteria: Ambry Variant Classification Scheme 2023. Collection method: clinical testing. Allele origin: germline.
Comment: The p.R7P variant (also known as c.20G>C), located in coding exon 1 of the GALNT12 gene, results from a G to C substitution at nucleotide position 20. The arginine at codon 7 is replaced by proline, an amino acid with dissimilar properties. This amino acid position is conserved. In addition, this alteration is predicted to be tolerated by in silico analysis. Since supporting evidence is limited at this time, the clinical significance of this alteration remains unclear.